The following is an entry in ClinVar:

ClinVar aggregate classification (germline): Uncertain significance. Review status: criteria provided, multiple submitters, no conflicts (2 of 4 stars). 2 submissions from 2 submitters: Uncertain significance (2). Last evaluated 2024-03-14.

Conditions:
Neurodevelopmental disorder with microcephaly, arthrogryposis, and structural brain anomalies. Identifiers: Orphanet 664923, MedGen C5231431, MONDO:0032838, OMIM 618622.

Submissions (2):

Genomic Medicine Center of Excellence, King Faisal Specialist Hospital and Research Centre
Classification: Uncertain significance for Neurodevelopmental disorder with microcephaly, arthrogryposis, and structural brain anomalies. Last evaluated: 2024-03-14. Review status: criteria provided, single submitter. Criteria: ACMG Guidelines, 2015. Collection method: clinical testing. Allele origin: germline.

SIB Swiss Institute of Bioinformatics
Classification: Uncertain significance for Neurodevelopmental disorder with microcephaly, arthrogryposis, and structural brain anomalies. Last evaluated: 2020-02-14. Review status: criteria provided, single submitter. Criteria: ACMG Guidelines, 2015. Collection method: curation. Allele origin: unknown.
Comment: This variant is interpreted as a variant of uncertain significance for Neurodevelopmental disorder with microcephaly, arthrogryposis, and structural brain anomalies, autosomal recessive. The following ACMG Tag(s) were applied: PM2, PVS1-Moderate.

Literature cited by the submitters: PubMed 31495489 (cited by SIB Swiss Institute of Bioinformatics).

NM_017951.5(SMPD4):c.2164C>T (p.Gln722Ter)

Gene: SMPD4 (sphingomyelin phosphodiesterase 4; minus strand). Cytogenetic location: 2q21.1.
Variant type: single nucleotide variant.
Coding change: c.2164C>T on transcript NM_017951.5 (MANE Select); coding-DNA position 2164, C replaced by T.
Protein change: p.Gln722Ter; replaces glutamine 722 with a stop codon.
Molecular consequence: nonsense. On other transcripts: non-coding transcript variant (2).
Genome position (GRCh38, 1-based): chr2:130,152,875, G>A on the plus strand (C>T on the coding strand, the complement: SMPD4 is on the minus strand). VCF-style: chr2-130152875-G-A. GRCh37 (hg19) VCF-style: chr2-130910448-G-A.
Other names: c.1975C>T, p.Gln659Ter (NM_001171083.2); c.2194C>T, p.Gln732Ter (NM_017751.4); short protein forms Q761*, Q659*, Q732*, Q722*.
Identifiers: ClinVar variation 870339 (VCV000870339.2), dbSNP rs1686368008, ClinGen allele CA348471049.
Genomic context (GRCh38, chr2:130,152,875, plus strand): 5'-TGAGGTGGTAGCGACAGAAGCTGCCGAGGAAGTCATCCCGGGAACACAGAGCCGCCATCT[G>A]TCCTGCAAACTGAAGCACAGACAGAGGCACGGGGATGTGGGGTGGTGGCACCACAGGCCT-3'